The following is an entry in ClinVar:

ClinVar aggregate classification (germline): Benign (1 of 4 stars; one submission).

Conditions:
Hereditary diffuse gastric adenocarcinoma (HDGC). Also called: DIFFUSE GASTRIC AND LOBULAR BREAST CANCER SYNDROME. Identifiers: Orphanet 26106, MedGen C1708349, MONDO:0007648, OMIM 137215.

Submission:

Myriad Genetics, Inc.
Classification: Benign for Hereditary diffuse gastric adenocarcinoma. Last evaluated: 2024-09-11. Review status: criteria provided, single submitter. Criteria: Myriad Autosomal Dominant, Autosomal Recessive and X-Linked Classification Criteria (2023). Collection method: clinical testing. Allele origin: unknown.
Comment: This variant is considered benign. This variant is a silent/synonymous amino acid change and it is not expected to impact splicing.

NM_004360.5(CDH1):c.51C>A (p.Val17=)

Gene: CDH1 (cadherin 1; plus strand). Cytogenetic location: 16q22.1.
Variant type: single nucleotide variant.
Coding change: c.51C>A on transcript NM_004360.5 (MANE Select); coding-DNA position 51, C replaced by A.
Protein change: p.Val17=; no amino-acid change (valine 17 retained).
Molecular consequence: synonymous variant. On other transcripts: 5 prime UTR variant (2).
Genome position (GRCh38, 1-based): chr16:68,738,299, C>A. VCF-style: chr16-68738299-C-A. GRCh37 (hg19) VCF-style: chr16-68772202-C-A.
Other names: c.51C>A, p.Val17= (NM_001317184.2); c.-1565C>A (NM_001317185.2); c.-1769C>A (NM_001317186.2).
Identifiers: ClinVar variation 3379174 (VCV003379174.1).